The following is an entry in ClinVar:

NM_000260.4(MYO7A):c.895G>A (p.Ala299Thr)

Gene: MYO7A (myosin VIIA; plus strand). Cytogenetic location: 11q13.5.
Variant type: single nucleotide variant.
Coding change: c.895G>A on transcript NM_000260.4 (MANE Select); coding-DNA position 895, G replaced by A.
Protein change: p.Ala299Thr; replaces alanine 299 with threonine.
Molecular consequence: missense variant.
Genome position (GRCh38, 1-based): chr11:77,158,322, G>A. VCF-style: chr11-77158322-G-A. GRCh37 (hg19) VCF-style: chr11-76869368-G-A.
Other names: c.895G>A, p.Ala299Thr (NM_001127180.2); c.862G>A, p.Ala288Thr (NM_001369365.1); short protein forms A299T, A288T.
Identifiers: ClinVar variation 306164 (VCV000306164.19), dbSNP rs372344870, ClinGen allele CA6197298.
Genomic context (GRCh38, chr11:77,158,322, plus strand): 5'-CACCCTGCCCACCAGGGTAACTGCATAACCTGTGAGGGCCGGGTGGACAGCCAGGAGTAC[G>A]CCAACATCCGCTCCGCCATGAAGGTGCTCATGTTCACTGACACCGAGAACTGGGAGATCT-3'
Protein context (NP_000251.3, residues 289-309): CEGRVDSQEY[Ala299Thr]NIRSAMKVLM

ClinVar aggregate classification (germline): Conflicting classifications of pathogenicity. Review status: criteria provided, conflicting classifications (1 of 4 stars). 6 submissions from 4 submitters: Uncertain significance (5); Likely benign (1). Last evaluated 2025-12-19.

Conditions:
Usher syndrome type 1 (USH1). Also called: RETINITIS PIGMENTOSA AND CONGENITAL DEAFNESS. Identifiers: Orphanet 231169, Orphanet 886, MedGen C1568247, MONDO:0010168, OMIM 276900.
Autosomal recessive nonsyndromic hearing loss 2. Also called: DEAFNESS, AUTOSOMAL RECESSIVE 2; NEUROSENSORY NONSYNDROMIC RECESSIVE DEAFNESS 2. Identifiers: Orphanet 90636, MedGen C1838701, MONDO:0010807, OMIM 600060.
Autosomal dominant nonsyndromic hearing loss 11. Identifiers: Orphanet 90635, MedGen C1832475, MONDO:0011032, OMIM 601317.
MYO7A-related disorder. Also called: MYO7A-related disorders.

Allele frequency attached by ClinVar (database versions not stated): gnomAD 0.00010 and 0.00011; TOPMed 0.00010; gnomAD exomes 0.00015 and 0.00016; ExAC 0.00020; ESP Exome Variant Server 0.00024.

Submissions (6):

PreventionGenetics, part of Exact Sciences
Classification: Uncertain significance for MYO7A-related condition. Last evaluated: 2025-12-19. Review status: criteria provided, single submitter. Criteria: ACMG Guidelines, 2015. Collection method: clinical testing. Allele origin: germline.
Comment: The MYO7A c.895G>A variant is predicted to result in the amino acid substitution p.Ala299Thr. This variant was reported along with a second potentially causative MYO7A variant in an individual with hearing loss (Ramzan et al. 2023. PubMed ID: 37217689). This variant is reported in 0.029% of alleles in individuals of European (Non-Finnish) descent in gnomAD. At this time, the clinical significance of this variant is uncertain due to the absence of conclusive functional and genetic evidence.

Labcorp Genetics (formerly Invitae), Labcorp
Classification: Likely benign. Last evaluated: 2025-12-03. Review status: criteria provided, single submitter. Criteria: Invitae Variant Classification Sherloc (09022015). Collection method: clinical testing. Allele origin: germline.

GeneDx
Classification: Uncertain significance. Last evaluated: 2023-09-14. Review status: criteria provided, single submitter. Criteria: GeneDx Variant Classification Process June 2021. Collection method: clinical testing. Allele origin: germline. Affected: yes.
Comment: In silico analysis supports that this missense variant has a deleterious effect on protein structure/function; Has not been previously published as pathogenic or benign to our knowledge

Illumina Laboratory Services, Illumina
Classification: Uncertain significance for Usher syndrome type 1. Last evaluated: 2018-01-13. Review status: criteria provided, single submitter. Criteria: ICSL Variant Classification Criteria 13 December 2019. Collection method: clinical testing. Allele origin: germline.

Illumina Laboratory Services, Illumina
Classification: Uncertain significance for Autosomal recessive nonsyndromic hearing loss 2. Last evaluated: 2018-01-13. Review status: criteria provided, single submitter. Criteria: ICSL Variant Classification Criteria 13 December 2019. Collection method: clinical testing. Allele origin: germline.

Illumina Laboratory Services, Illumina
Classification: Uncertain significance for Autosomal dominant nonsyndromic hearing loss 11. Last evaluated: 2018-01-13. Review status: criteria provided, single submitter. Criteria: ICSL Variant Classification Criteria 13 December 2019. Collection method: clinical testing. Allele origin: germline.